The following is an entry in ClinVar:

GRCh37/hg19 1q23.3(chr1:161924068-164761399)x1

Genes: ATF6 (activating transcription factor 6; plus strand), C1orf226 (chromosome 1 open reading frame 226; plus strand), CCDC190 (coiled-coil domain containing 190; minus strand), DDR2 (discoidin domain receptor tyrosine kinase 2; plus strand), HSD17B7 (hydroxysteroid 17-beta dehydrogenase 7; plus strand) and 10 more. Cytogenetic location: 1q23.3.
Variant type: copy number loss.
Change: copy number 1 (one copy instead of two) of chr1:161,924,068-164,761,399 (2.84 Mb, GRCh37 coordinates, 1-based), cytogenetic band 1q23.3.
Identifiers: ClinVar variation 1808712 (VCV001808712.1).

ClinVar aggregate classification (germline): Likely pathogenic (1 of 4 stars; one submission).

Submission:

Quest Diagnostics Nichols Institute San Juan Capistrano
Classification: Likely pathogenic. Last evaluated: 2022-06-21. Review status: criteria provided, single submitter. Criteria: ACMG/ClinGen CNV Guidelines, 2019. Collection method: clinical testing. Allele origin: unknown.
Comment: The copy number loss of 1q23.3 involves multiple protein-coding genes, including PBX1 (OMIM 176310), DDR2 (OMIM 191311), ATF6 (OMIM 605537), and NOS1AP (OMIM 605551). Heterozygous missense and loss-of-function variants and hemizygous whole and partial deletions of PBX1 are associated with congenital anomalies of kidney and urinary tract syndrome with or without hearing loss, abnormal ears, or developmental delay (CAKUTHED; OMIM 617641), which is an autosomal dominant highly pleiotropic developmental disorder characterized mainly by variable congenital anomalies of the kidney and urinary tract, sometimes resulting in renal dysfunction or failure, dysmorphic facial features, and abnormalities of the outer ear, often with hearing loss. Most patients have global developmental delay (Verbitsky 2019, Heidet 2017, Le Tanno 2017, Sun 2019, Fitzgerald 2021). In addition, heterozygous missense variants of DDR2 are associated with autosomal dominant Warburg-Cinotti syndrome, which is characterized by progressive corneal neovascularization, keloid formation, chronic skin ulcers, wasting of subcutaneous tissue, flexion contractures of the fingers, and acroosteolysis (OMIM 618175). Biallelic missense and splice site variants of DDR2 are associated with autosomal recessive spondylometaepiphyseal dysplasia, short limb-hand type, which is a severe short-limb bone dysplasia (OMIM 271665). Furthermore, biallelic loss-of-function and missense variants of ATF6 are associated with achromatopsia 7, which is an autosomal recessive disorder resulting from lack of cone photoreceptor function. Affected individuals present from birth or early infancy with photophobia, nystagmus, severely reduced visual acuity, and color blindness (OMIM 616517). Biallelic missense and splice site variants of NOS1AP are associated with nephrotic syndrome type 22, which is an autosomal recessive renal disease characterized by onset of progressive kidney dysfunction in infancy. Affected individuals usually present with edema associated with hypoproteinemia, proteinuria, and microscopic hematuria. Renal biopsy shows effacement of the podocyte foot processes, glomerulosclerosis, and thickening of the glomerular basement membrane. The disease is steroid-resistant and progressive, resulting in end-stage renal disease usually necessitating kidney transplant (OMIM 619155). There are no similar copy number losses of this region in the general populations of the Database of Genomic Variants. Thus, based on current medical literature and gene content, this copy number variant (CNV) is classified as likely pathogenic. References: Fitzgerald et al., Am J Med Genet A. 2021 Jan;185(1):234-237. PMID: 33098248. Heidet et al., J Am Soc Nephrol. 2017 Oct;28(10):2901-2914. PMID: 28566479. Le Tanno et al., J Med Genet. 2017 Jul;54(7):502-510. PMID: 28270404. Sun et al., Taiwan J Obstet Gynecol. 2019 Mar;58(2):292-295. PMID: 30910156. Verbitsky et al., Nat Genet. 2019 Jan;51(1):117-127. PMID: 30578417.